The following is an entry in ClinVar:

ClinVar aggregate classification (germline): Uncertain significance (1 of 4 stars; one submission).

Conditions:
2-aminoadipic 2-oxoadipic aciduria (AAKAD). Also called: ALPHA-AMINOADIPIC AND ALPHA-KETOADIPIC ACIDURIA; Aminoadipic aciduria. Identifiers: Orphanet 79154, MedGen C1859817, MONDO:0008774, OMIM 204750.

Allele frequency attached by ClinVar (database versions not stated): ExAC 0.00001; gnomAD 0.00001; gnomAD exomes 0.00002; TOPMed 0.00004.
gnomAD v4.1: 32 of 1,613,986 alleles (0.002%); highest among the groups gnomAD compares: African/African-American, 0.008%; no homozygotes.

Submission:

Labcorp Genetics (formerly Invitae), Labcorp
Classification: Uncertain significance for 2-aminoadipic 2-oxoadipic aciduria. Last evaluated: 2024-09-05. Review status: criteria provided, single submitter. Criteria: Invitae Variant Classification Sherloc (09022015). Collection method: clinical testing. Allele origin: germline.
Comment: This sequence change replaces valine, which is neutral and non-polar, with isoleucine, which is neutral and non-polar, at codon 643 of the DHTKD1 protein (p.Val643Ile). This variant is present in population databases (rs371749570, gnomAD 0.006%). This variant has not been reported in the literature in individuals affected with DHTKD1-related conditions. ClinVar contains an entry for this variant (Variation ID: 2202413). Invitae Evidence Modeling of protein sequence and biophysical properties (such as structural, functional, and spatial information, amino acid conservation, physicochemical variation, residue mobility, and thermodynamic stability) indicates that this missense variant is not expected to disrupt DHTKD1 protein function with a negative predictive value of 80%. In summary, the available evidence is currently insufficient to determine the role of this variant in disease. Therefore, it has been classified as a Variant of Uncertain Significance.

NM_018706.7(DHTKD1):c.1927G>A (p.Val643Ile)

Gene: DHTKD1 (dehydrogenase E1 and transketolase domain containing 1; plus strand). Cytogenetic location: 10p14.
Variant type: single nucleotide variant.
Coding change: c.1927G>A on transcript NM_018706.7 (MANE Select); coding-DNA position 1927, G replaced by A.
Protein change: p.Val643Ile; replaces valine 643 with isoleucine.
Molecular consequence: missense variant.
Genome position (GRCh38, 1-based): chr10:12,106,276, G>A. VCF-style: chr10-12106276-G-A. GRCh37 (hg19) VCF-style: chr10-12148275-G-A.
Other names: short protein forms V643I.
Identifiers: ClinVar variation 2202413 (VCV002202413.4), dbSNP rs371749570, ClinGen allele CA5408077.